The following is an entry in ClinVar:

ClinVar aggregate classification (germline): Benign/Likely benign. Review status: criteria provided, multiple submitters, no conflicts (2 of 4 stars). 8 submissions from 8 submitters: Benign (7); Likely benign (1). Last evaluated 2026-02-04.

Conditions:
Poikiloderma with neutropenia (PN). Identifiers: Orphanet 221046, MedGen C1858723, MONDO:0011405, OMIM 604173.

Allele frequency attached by ClinVar (database versions not stated): 1000 Genomes Project 30x 0.05793; gnomAD 0.05803 and 0.05927; TOPMed 0.05884; ESP Exome Variant Server 0.05953; 1000 Genomes Project 0.06130; gnomAD exomes 0.06965; ExAC 0.10190.
gnomAD v4.1: 120,727 of 1,608,316 alleles (7.5%); highest among the groups gnomAD compares: South Asian, 8.4%; 5,089 homozygotes.

Submissions (8):

Labcorp Genetics (formerly Invitae), Labcorp
Classification: Benign. Last evaluated: 2026-02-04. Review status: criteria provided, single submitter. Criteria: Invitae Variant Classification Sherloc (09022015). Collection method: clinical testing. Allele origin: germline.

Women's Health and Genetics/Laboratory Corporation of America, LabCorp
Classification: Benign. Last evaluated: 2026-01-21. Review status: criteria provided, single submitter. Criteria: LabCorp Variant Classification Summary - May 2015. Collection method: clinical testing. Allele origin: germline.

ARUP Laboratories, Molecular Genetics and Genomics, ARUP Laboratories
Classification: Benign for Poikiloderma with neutropenia. Last evaluated: 2025-07-28. Review status: criteria provided, single submitter. Criteria: ARUP Molecular Germline Variant Investigation Process 2024. Collection method: clinical testing. Allele origin: germline.

Blueprint Genetics
Classification: Likely benign. Last evaluated: 2024-11-27. Review status: criteria provided, single submitter. Criteria: ACMG Guidelines, 2015. Collection method: clinical testing. Allele origin: germline.

GeneDx
Classification: Benign. Last evaluated: 2018-11-27. Review status: criteria provided, single submitter. Criteria: GeneDx Variant Classification Process June 2021. Collection method: clinical testing. Allele origin: germline. Affected: yes.

Mayo Clinic Laboratories, Mayo Clinic
Classification: Benign. Last evaluated: 2018-07-03. Review status: criteria provided, single submitter. Criteria: ACMG Guidelines, 2015. Collection method: clinical testing. Allele origin: germline. Observed: 294 variant alleles.

Laboratory for Molecular Medicine, Mass General Brigham Personalized Medicine
Classification: Benign. Last evaluated: 2016-03-29. Review status: criteria provided, single submitter. Criteria: LMM Criteria. Collection method: clinical testing. Allele origin: germline.
Comment: Variant identified in a genome or exome case(s) and assessed due to predicted null impact of the variant or pathogenic assertions in the literature or databases. Disclaimer: This variant has not undergone full assessment. The following are preliminary notes: Frequency

Breakthrough Genomics
Classification: Benign. Review status: criteria provided, single submitter. Criteria: ACMG Guidelines, 2015. Collection method: not provided. Allele origin: germline. Inheritance: Autosomal recessive inheritance. Affected: yes.

NM_024598.4(USB1):c.42C>A (p.Ser14=)

Gene: USB1 (U6 snRNA biogenesis phosphodiesterase 1; plus strand). Cytogenetic location: 16q21.
Variant type: single nucleotide variant.
Coding change: c.42C>A on transcript NM_024598.4 (MANE Select); coding-DNA position 42, C replaced by A.
Protein change: p.Ser14=; no amino-acid change (serine 14 retained).
Molecular consequence: synonymous variant. On other transcripts: intron variant (1).
Genome position (GRCh38, 1-based): chr16:58,001,525, C>A. VCF-style: chr16-58001525-C-A. GRCh37 (hg19) VCF-style: chr16-58035429-C-A.
Other names: p.Ser14=; c.42C>A, p.Ser14= (NM_001195302.2, NM_001204911.2, NM_001330569.2); c.-55-954C>A (NM_001330568.2).
Identifiers: ClinVar variation 403596 (VCV000403596.20), dbSNP rs3743559, ClinGen allele CA8084774.